The following is an entry in ClinVar:

NM_001122955.4(BSCL2):c.511C>T (p.Arg171Cys)

Genes: BSCL2 (BSCL2 lipid droplet biogenesis associated, seipin; minus strand), HNRNPUL2-BSCL2 (HNRNPUL2-BSCL2 readthrough (NMD candidate); minus strand). Cytogenetic location: 11q12.3.
Variant type: single nucleotide variant.
Coding change: c.511C>T on transcript NM_001122955.4 (MANE Select); coding-DNA position 511, C replaced by T.
Protein change: p.Arg171Cys; replaces arginine 171 with cysteine.
Molecular consequence: missense variant. On other transcripts: non-coding transcript variant (1).
Genome position (GRCh38, 1-based): chr11:62,694,687, G>A on the plus strand (C>T on the coding strand, the complement: BSCL2 is on the minus strand). VCF-style: chr11-62694687-G-A. GRCh37 (hg19) VCF-style: chr11-62462159-G-A.
Other names: c.319C>T, p.Arg107Cys (NM_001130702.2, NM_032667.6); c.511C>T, p.Arg171Cys (NM_001386027.1, NM_001386028.1); short protein forms R107C, R171C.
Identifiers: ClinVar variation 2199727 (VCV002199727.5), dbSNP rs781147014, ClinGen allele CA6053539.

ClinVar aggregate classification (germline): Uncertain significance. Review status: criteria provided, multiple submitters, no conflicts (2 of 4 stars). 2 submissions from 2 submitters: Uncertain significance (2). Last evaluated 2026-01-16.

Conditions:
Charcot-Marie-Tooth disease type 2. Also called: Charcot-Marie-Tooth type 2. Identifiers: Orphanet 64746, MedGen C0270914, MONDO:0018993.

Allele frequency attached by ClinVar (database versions not stated): ExAC 0.00001.
gnomAD v4.1: 6 of 1,614,078 alleles (0.00037%); highest among the groups gnomAD compares: Admixed American, 0.0017%; no homozygotes.

Submissions (2):

Labcorp Genetics (formerly Invitae), Labcorp
Classification: Uncertain significance for Charcot-Marie-Tooth disease type 2. Last evaluated: 2026-01-16. Review status: criteria provided, single submitter. Criteria: Invitae Variant Classification Sherloc (09022015). Collection method: clinical testing. Allele origin: germline.
Comment: This sequence change replaces arginine, which is basic and polar, with cysteine, which is neutral and slightly polar, at codon 107 of the BSCL2 protein (p.Arg107Cys). This variant is present in population databases (rs781147014, gnomAD 0.003%). This variant has not been reported in the literature in individuals affected with BSCL2-related conditions. ClinVar contains an entry for this variant (Variation ID: 2199727). Invitae Evidence Modeling of protein sequence and biophysical properties (such as structural, functional, and spatial information, amino acid conservation, physicochemical variation, residue mobility, and thermodynamic stability) indicates that this missense variant is expected to disrupt BSCL2 protein function with a positive predictive value of 80%. Algorithms developed to predict the effect of sequence changes on RNA splicing suggest that this variant may create or strengthen a splice site. In summary, the available evidence is currently insufficient to determine the role of this variant in disease. Therefore, it has been classified as a Variant of Uncertain Significance.

Women's Health and Genetics/Laboratory Corporation of America, LabCorp
Classification: Uncertain significance. Last evaluated: 2025-02-05. Review status: criteria provided, single submitter. Criteria: LabCorp Variant Classification Summary - May 2015. Collection method: clinical testing. Allele origin: germline.
Comment: Variant summary: BSCL2 c.319C>T (p.Arg107Cys) results in a non-conservative amino acid change in the encoded protein sequence. Four of five in-silico tools predict a damaging effect of the variant on protein function. The variant allele was found at a frequency of 8e-06 in 251386 control chromosomes. The available data on variant occurrences in the general population are insufficient to allow any conclusion about variant significance. To our knowledge, no occurrence of c.319C>T in individuals affected with Congenital generalized lipodystrophy type 2 and no experimental evidence demonstrating its impact on protein function have been reported. ClinVar contains an entry for this variant (Variation ID: 2199727). Based on the evidence outlined above, the variant was classified as uncertain significance.